The following is an entry in ClinVar:

ClinVar aggregate classification (germline): Uncertain significance (1 of 4 stars; one submission).

gnomAD v4.1: 1 of 1,613,278 alleles (0.000062%); highest among the groups gnomAD compares: East Asian, 0.0022%; no homozygotes.

Submission:

GeneDx
Classification: Uncertain significance. Last evaluated: 2024-06-17. Review status: criteria provided, single submitter. Criteria: GeneDx Variant Classification Process June 2021. Collection method: clinical testing. Allele origin: germline. Affected: yes.
Comment: Not observed at significant frequency in large population cohorts (gnomAD); In silico analysis indicates that this missense variant does not alter protein structure/function; Has not been previously published as pathogenic or benign to our knowledge

NM_016239.4(MYO15A):c.3661G>A (p.Glu1221Lys)

Gene: MYO15A (myosin XVA; plus strand). Cytogenetic location: 17p11.2.
Variant type: single nucleotide variant.
Coding change: c.3661G>A on transcript NM_016239.4 (MANE Select); coding-DNA position 3661, G replaced by A.
Protein change: p.Glu1221Lys; replaces glutamic acid 1221 with lysine.
Molecular consequence: missense variant.
Genome position (GRCh38, 1-based): chr17:18,124,534, G>A. VCF-style: chr17-18124534-G-A. GRCh37 (hg19) VCF-style: chr17-18027848-G-A.
Other names: short protein forms E1221K.
Identifiers: ClinVar variation 3391594 (VCV003391594.1).